The following is an entry in ClinVar:

NM_032833.5(PPP1R15B):c.457C>T (p.Pro153Ser)

Gene: PPP1R15B (protein phosphatase 1 regulatory subunit 15B; minus strand). Cytogenetic location: 1q32.1.
Variant type: single nucleotide variant.
Coding change: c.457C>T on transcript NM_032833.5 (MANE Select); coding-DNA position 457, C replaced by T.
Protein change: p.Pro153Ser; replaces proline 153 with serine.
Molecular consequence: missense variant.
Genome position (GRCh38, 1-based): chr1:204,410,955, G>A on the plus strand (C>T on the coding strand, the complement: PPP1R15B is on the minus strand). VCF-style: chr1-204410955-G-A. GRCh37 (hg19) VCF-style: chr1-204380083-G-A.
Other names: short protein forms P153S.
Identifiers: ClinVar variation 2111429 (VCV002111429.4), dbSNP rs1452524715, ClinGen allele CA344355839.

ClinVar aggregate classification (germline): Uncertain significance (1 of 4 stars; one submission).

Allele frequency attached by ClinVar (database versions not stated): gnomAD exomes below 0.00001; TOPMed 0.00001.
gnomAD v4.1: 3 of 1,614,152 alleles (0.00019%); highest among the groups gnomAD compares: African/African-American, 0.0013%; no homozygotes.

Submission:

Labcorp Genetics (formerly Invitae), Labcorp
Classification: Uncertain significance. Last evaluated: 2025-02-10. Review status: criteria provided, single submitter. Criteria: Invitae Variant Classification Sherloc (09022015). Collection method: clinical testing. Allele origin: germline.
Comment: This sequence change replaces proline, which is neutral and non-polar, with serine, which is neutral and polar, at codon 153 of the PPP1R15B protein (p.Pro153Ser). This variant is present in population databases (no rsID available, gnomAD 0.007%). This variant has not been reported in the literature in individuals affected with PPP1R15B-related conditions. ClinVar contains an entry for this variant (Variation ID: 2111429). Invitae Evidence Modeling of protein sequence and biophysical properties (such as structural, functional, and spatial information, amino acid conservation, physicochemical variation, residue mobility, and thermodynamic stability) indicates that this missense variant is not expected to disrupt PPP1R15B protein function with a negative predictive value of 80%. In summary, the available evidence is currently insufficient to determine the role of this variant in disease. Therefore, it has been classified as a Variant of Uncertain Significance.